The following is an entry in ClinVar:

ClinVar aggregate classification (germline): Uncertain significance. Review status: criteria provided, multiple submitters, no conflicts (2 of 4 stars). 2 submissions from 2 submitters: Uncertain significance (2). Last evaluated 2025-09-04.

Conditions:
Hereditary sensory neuropathy-deafness-dementia syndrome. Also called: NEUROPATHY, HEREDITARY SENSORY, WITH HEARING LOSS AND DEMENTIA; Hereditary Sensory and Autonomic Neuropathy Type 1E (HSAN1E); HSN IE; Hereditary sensory neuropathy type IE. Identifiers: Orphanet 456318, MedGen C3279885, MONDO:0013584, OMIM 614116.

Submissions (2):

Dasa
Classification: Uncertain significance. Last evaluated: 2025-09-04. Review status: criteria provided, single submitter. Criteria: DASA Assertion Criteria. Collection method: clinical testing. Allele origin: germline.
Comment: NM_001130823.3(DNMT1):c.611A>G (p.Lys204Arg) is a missense variant that results in the substitution of lysine with arginine. This variant is absent from population databases. Computational prediction algorithms are consistent with a benign effect. The currently available literature and clinical evidence are not sufficient to establish a definitive association between this variant and the reported condition. Therefore, this variant is classified as a variant of uncertain significance.

Labcorp Genetics (formerly Invitae), Labcorp
Classification: Uncertain significance for Hereditary sensory neuropathy-deafness-dementia syndrome. Last evaluated: 2022-09-09. Review status: criteria provided, single submitter. Criteria: Invitae Variant Classification Sherloc (09022015). Collection method: clinical testing. Allele origin: germline.
Comment: In summary, the available evidence is currently insufficient to determine the role of this variant in disease. Therefore, it has been classified as a Variant of Uncertain Significance. Algorithms developed to predict the effect of missense changes on protein structure and function (SIFT, PolyPhen-2, Align-GVGD) all suggest that this variant is likely to be tolerated. ClinVar contains an entry for this variant (Variation ID: 1495082). This variant has not been reported in the literature in individuals affected with DNMT1-related conditions. This variant is not present in population databases (gnomAD no frequency). This sequence change replaces lysine, which is basic and polar, with arginine, which is basic and polar, at codon 204 of the DNMT1 protein (p.Lys204Arg).

NM_001130823.3(DNMT1):c.611A>G (p.Lys204Arg)

Gene: DNMT1 (DNA methyltransferase 1; minus strand). Cytogenetic location: 19p13.2.
Variant type: single nucleotide variant.
Coding change: c.611A>G on transcript NM_001130823.3 (MANE Select); coding-DNA position 611, A replaced by G.
Protein change: p.Lys204Arg; replaces lysine 204 with arginine.
Molecular consequence: missense variant.
Genome position (GRCh38, 1-based): chr19:10,175,577, T>C on the plus strand (A>G on the coding strand, the complement: DNMT1 is on the minus strand). VCF-style: chr19-10175577-T-C. GRCh37 (hg19) VCF-style: chr19-10286253-T-C.
Other names: c.563A>G, p.Lys188Arg (NM_001318730.2, NM_001379.4); c.248A>G, p.Lys83Arg (NM_001318731.2); short protein forms K188R, K204R, K83R.
Identifiers: ClinVar variation 1495082 (VCV001495082.8), dbSNP rs2145365719, ClinGen allele CA403944366.